The following is an entry in ClinVar:

ClinVar aggregate classification (germline): Benign/Likely benign. Review status: criteria provided, multiple submitters, no conflicts (2 of 4 stars). 9 submissions from 9 submitters: Benign (5); Likely benign (2). 2 of the submissions do not count toward it. Last evaluated 2026-02-03.

Conditions:
Hypertrophic cardiomyopathy 15. Identifiers: MedGen C2750459, MONDO:0013200, OMIM 613255.
Dilated cardiomyopathy 1W (CMD1W). Identifiers: Orphanet 154, MedGen C1969639, MONDO:0012667, OMIM 611407.

Allele frequency attached by ClinVar (database versions not stated): gnomAD exomes 0.00019 and 0.00044; ExAC 0.00050; 1000 Genomes Project 30x 0.00156; 1000 Genomes Project 0.00160; ESP Exome Variant Server 0.00169; gnomAD 0.00182 and 0.00193; TOPMed 0.00198.
gnomAD v4.1: 559 of 1,613,880 alleles (0.035%); highest among the groups gnomAD compares: African/African-American, 0.67%; 3 homozygotes.

Submissions (9):

Labcorp Genetics (formerly Invitae), Labcorp
Classification: Benign for Dilated cardiomyopathy 1W. Last evaluated: 2026-02-03. Review status: criteria provided, single submitter. Criteria: Invitae Variant Classification Sherloc (09022015). Collection method: clinical testing. Allele origin: germline.

Blueprint Genetics
Classification: Likely benign. Last evaluated: 2024-07-18. Review status: criteria provided, single submitter. Criteria: ACMG Guidelines, 2015. Collection method: clinical testing. Allele origin: germline.

Fulgent Genetics
Classification: Likely benign for Dilated cardiomyopathy 1W; Hypertrophic cardiomyopathy 15. Last evaluated: 2021-08-24. Review status: criteria provided, single submitter. Criteria: ACMG Guidelines, 2015. Collection method: clinical testing. Allele origin: unknown.

ARUP Laboratories, Molecular Genetics and Genomics, ARUP Laboratories
Classification: Benign. Last evaluated: 2021-05-07. Review status: criteria provided, single submitter. Criteria: ARUP Molecular Germline Variant Investigation Process 2021. Collection method: clinical testing. Allele origin: germline.

Women's Health and Genetics/Laboratory Corporation of America, LabCorp
Classification: Benign. Last evaluated: 2021-03-11. Review status: criteria provided, single submitter. Criteria: LabCorp Variant Classification Summary - May 2015. Collection method: clinical testing. Allele origin: germline.
Comment: Variant summary: VCL c.1353-19G>A alters a nucleotide located close to a canonical splice site and therefore could affect mRNA splicing, leading to a significantly altered protein sequence. 4/4 computational tools predict no significant impact on normal splicing. However, these predictions have yet to be confirmed by functional studies. The variant allele was found at a frequency of 0.00044 in 251224 control chromosomes. The observed variant frequency is approximately 17.51 fold of the estimated maximal expected allele frequency for a pathogenic variant in VCL causing Cardiomyopathy phenotype (2.5e-05), strongly suggesting that the variant is benign. To our knowledge, no occurrence of c.1353-19G>A in individuals affected with Cardiomyopathy and no experimental evidence demonstrating its impact on protein function have been reported. No clinical diagnostic laboratories have submitted clinical-significance assessments for this variant to ClinVar after 2014. Based on the evidence outlined above, the variant was classified as benign.

GeneDx
Classification: Benign. Last evaluated: 2014-03-27. Review status: criteria provided, single submitter. Criteria: GeneDx Variant Classification (06012015). Collection method: clinical testing. Allele origin: germline. Affected: yes.
Comment: This variant is considered likely benign or benign based on one or more of the following criteria: it is a conservative change, it occurs at a poorly conserved position in the protein, it is predicted to be benign by multiple in silico algorithms, and/or has population frequency not consistent with disease.

PreventionGenetics, part of Exact Sciences
Classification: Benign. Review status: criteria provided, single submitter. Criteria: ACMG Guidelines, 2015. Collection method: clinical testing. Allele origin: germline.

Clinical Genetics DNA and cytogenetics Diagnostics Lab, Erasmus MC, Erasmus Medical Center
Classification: Likely benign. Review status: no assertion criteria provided. Collection method: clinical testing. Allele origin: germline. Affected: yes. Study: VKGL Data-share Consensus. Not counted in ClinVar's aggregate classification.

Clinical Genetics, Academic Medical Center
Classification: Benign. Review status: no assertion criteria provided. Collection method: clinical testing. Allele origin: germline. Affected: yes. Study: VKGL Data-share Consensus. Not counted in ClinVar's aggregate classification.

NM_014000.3(VCL):c.1353-19G>A

Gene: VCL (vinculin; plus strand). Cytogenetic location: 10q22.2.
Variant type: single nucleotide variant.
Coding change: c.1353-19G>A on transcript NM_014000.3 (MANE Select); 19 bases into the intron before coding-DNA position 1353, G replaced by A.
Molecular consequence: intron variant.
Genome position (GRCh38, 1-based): chr10:74,094,252, G>A. VCF-style: chr10-74094252-G-A. GRCh37 (hg19) VCF-style: chr10-75854010-G-A.
Other names: c.1353-19G>A (NM_003373.4).
Identifiers: ClinVar variation 137903 (VCV000137903.23), dbSNP rs145537824, ClinGen allele CA333109.
Genomic context (GRCh38, chr10:74,094,252, plus strand): 5'-GCATTTGTCATTAGCAGCTAAGTGATCTCAATGTAAATAGTGTTTATGTGTGACAGGATG[G>A]CTGTCTTTTTCTCTGTAGGGGGAAAGGAGATTCTCCAGAGGCTCGAGCCTTGGCCAAACA-3'